The following is an entry in ClinVar:

ClinVar aggregate classification (germline): Pathogenic (1 of 4 stars; one submission).

Conditions:
Primary ciliary dyskinesia. Also called: Ciliary dyskinesia. Identifiers: Orphanet 244, MedGen C0008780, MONDO:0016575, HP:0012265.

Submission:

Labcorp Genetics (formerly Invitae), Labcorp
Classification: Pathogenic for Primary ciliary dyskinesia. Last evaluated: 2017-01-20. Review status: criteria provided, single submitter. Criteria: Invitae Variant Classification Sherloc (09022015). Collection method: clinical testing. Allele origin: germline.
Comment: This variant is a gross deletion of the genomic region encompassing most of exon 8 of the DNAH11 gene, including the exon 8-intron 8 boundary (c.1475_1593+946del). This likely creates a premature translational stop signal and is expected to result in an absent or disrupted protein product. While this particular variant has not been reported in the literature, loss-of-function variants in DNAH11 are known to be pathogenic (PMID: 22184204). For these reasons, this variant has been classified as Pathogenic.

Literature cited by the submitters: PubMed 22184204.

NM_001277115.2(DNAH11):c.1475_1593+946del

Gene: DNAH11 (dynein axonemal heavy chain 11; plus strand). Cytogenetic location: 7p15.3.
Variant type: Deletion.
Coding change: c.1475_1593+946del on transcript NM_001277115.2 (MANE Select); coding-DNA position 1475 through 946 bases into the intron after coding-DNA position 1593, 1,065 bases deleted.
Molecular consequence: splice donor variant.
Genome position (GRCh38, 1-based): chr7:21,571,855-21,572,919, 1,065 bases deleted. GRCh37 (hg19): chr7:21,611,473-21,612,537.
Identifiers: ClinVar variation 1068616 (VCV001068616.7), ClinGen allele CA2499218846.